The following is an entry in ClinVar:

NM_001330700.2(TOP2B):c.3927G>A (p.Glu1309=)

Gene: TOP2B (DNA topoisomerase II beta; minus strand). Cytogenetic location: 3p24.2.
Variant type: single nucleotide variant.
Coding change: c.3927G>A on transcript NM_001330700.2 (MANE Select); coding-DNA position 3927, G replaced by A.
Protein change: p.Glu1309=; no amino-acid change (glutamic acid 1309 retained).
Molecular consequence: synonymous variant.
Genome position (GRCh38, 1-based): chr3:25,609,572, C>T on the plus strand (G>A on the coding strand, the complement: TOP2B is on the minus strand). VCF-style: chr3-25609572-C-T. GRCh37 (hg19) VCF-style: chr3-25651063-C-T.
Other names: c.3912G>A, p.Glu1304= (NM_001068.3).
Identifiers: ClinVar variation 3898461 (VCV003898461.7).

ClinVar aggregate classification (germline): Likely benign (1 of 4 stars; one submission).

gnomAD v4.1: 3 of 1,606,262 alleles (0.00019%); highest among the groups gnomAD compares: Non-Finnish European, 0.00026%; no homozygotes.

Submission:

CeGaT Center for Human Genetics Tuebingen
Classification: Likely benign. Last evaluated: 2026-02-01. Review status: criteria provided, single submitter. Criteria: CeGaT Center For Human Genetics Tuebingen Variant Classification Criteria Version 2. Collection method: clinical testing. Allele origin: germline. Affected: yes. Observed: 1 variant allele.
Comment: TOP2B: BP4, BP7